The following is an entry in ClinVar:

ClinVar aggregate classification (germline): Uncertain significance (1 of 4 stars; one submission).

Submission:

Labcorp Genetics (formerly Invitae), Labcorp
Classification: Uncertain significance. Last evaluated: 2024-03-12. Review status: criteria provided, single submitter. Criteria: Invitae Variant Classification Sherloc (09022015). Collection method: clinical testing. Allele origin: germline.
Comment: This sequence change replaces aspartic acid, which is acidic and polar, with asparagine, which is neutral and polar, at codon 33 of the ELMOD3 protein (p.Asp33Asn). This variant is present in population databases (rs541362396, gnomAD 0.02%). This variant has not been reported in the literature in individuals affected with ELMOD3-related conditions. Advanced modeling of protein sequence and biophysical properties (such as structural, functional, and spatial information, amino acid conservation, physicochemical variation, residue mobility, and thermodynamic stability) performed at Invitae indicates that this missense variant is not expected to disrupt ELMOD3 protein function with a negative predictive value of 80%. In summary, the available evidence is currently insufficient to determine the role of this variant in disease. Therefore, it has been classified as a Variant of Uncertain Significance.

NM_001135022.2(ELMOD3):c.97G>A (p.Asp33Asn)

Gene: ELMOD3 (ELMO domain containing 3; plus strand). Cytogenetic location: 2p11.2.
Variant type: single nucleotide variant.
Coding change: c.97G>A on transcript NM_001135022.2 (MANE Select); coding-DNA position 97, G replaced by A.
Protein change: p.Asp33Asn; replaces aspartic acid 33 with asparagine.
Molecular consequence: missense variant. On other transcripts: non-coding transcript variant (3).
Genome position (GRCh38, 1-based): chr2:85,362,228, G>A. VCF-style: chr2-85362228-G-A. GRCh37 (hg19) VCF-style: chr2-85589351-G-A.
Other names: c.97G>A, p.Asp33Asn (NM_001135021.2, NM_001135023.2, NM_001329791.2 and 3 more transcripts); short protein forms D33N.
Identifiers: ClinVar variation 3605892 (VCV003605892.2).